The following is an entry in ClinVar:

NM_001010867.4(IBA57):c.511G>A (p.Gly171Arg)

Gene: IBA57 (iron-sulfur cluster assembly factor IBA57; plus strand). Cytogenetic location: 1q42.13.
Variant type: single nucleotide variant.
Coding change: c.511G>A on transcript NM_001010867.4 (MANE Select); coding-DNA position 511, G replaced by A.
Protein change: p.Gly171Arg; replaces glycine 171 with arginine.
Molecular consequence: missense variant. On other transcripts: 5 prime UTR variant (1).
Genome position (GRCh38, 1-based): chr1:228,174,861, G>A. VCF-style: chr1-228174861-G-A. GRCh37 (hg19) VCF-style: chr1-228362562-G-A.
Other names: c.-69G>A (NM_001310327.2); short protein forms G171R.
Identifiers: ClinVar variation 2179577 (VCV002179577.4), dbSNP rs775263262, ClinGen allele CA345113076.

ClinVar aggregate classification (germline): Uncertain significance (1 of 4 stars; one submission).

Conditions:
Multiple mitochondrial dysfunctions syndrome 3 (MMDS3). Identifiers: Orphanet 363424, MedGen C3809165, MONDO:0014132, OMIM 615330.
Hereditary spastic paraplegia 74. Also called: Spastic paraplegia 74, autosomal recessive. Identifiers: Orphanet 468661, MedGen C5568837, MONDO:0014644, OMIM 616451.

Submission:

Labcorp Genetics (formerly Invitae), Labcorp
Classification: Uncertain significance for Multiple mitochondrial dysfunctions syndrome 3; Hereditary spastic paraplegia 74. Last evaluated: 2024-08-14. Review status: criteria provided, single submitter. Criteria: Invitae Variant Classification Sherloc (09022015). Collection method: clinical testing. Allele origin: germline.
Comment: This sequence change replaces glycine, which is neutral and non-polar, with arginine, which is basic and polar, at codon 171 of the IBA57 protein (p.Gly171Arg). This variant is not present in population databases (gnomAD no frequency). This variant has not been reported in the literature in individuals affected with IBA57-related conditions. ClinVar contains an entry for this variant (Variation ID: 2179577). Invitae Evidence Modeling of protein sequence and biophysical properties (such as structural, functional, and spatial information, amino acid conservation, physicochemical variation, residue mobility, and thermodynamic stability) indicates that this missense variant is not expected to disrupt IBA57 protein function with a negative predictive value of 80%. In summary, the available evidence is currently insufficient to determine the role of this variant in disease. Therefore, it has been classified as a Variant of Uncertain Significance.